The following is an entry in ClinVar:

NM_006206.6(PDGFRA):c.1181T>G (p.Ile394Ser)

Gene: PDGFRA (platelet derived growth factor receptor alpha; plus strand). Cytogenetic location: 4q12.
Variant type: single nucleotide variant.
Coding change: c.1181T>G on transcript NM_006206.6 (MANE Select); coding-DNA position 1181, T replaced by G.
Protein change: p.Ile394Ser; replaces isoleucine 394 with serine.
Molecular consequence: missense variant.
Genome position (GRCh38, 1-based): chr4:54,270,692, T>G. VCF-style: chr4-54270692-T-G. GRCh37 (hg19) VCF-style: chr4-55136859-T-G.
Other names: c.1181T>G, p.Ile394Ser (NM_001347827.2, NM_001347829.2); c.1256T>G, p.Ile419Ser (NM_001347828.2); c.1220T>G, p.Ile407Ser (NM_001347830.2); short protein forms I407S, I394S, I419S.
Identifiers: ClinVar variation 2117480 (VCV002117480.4), dbSNP rs2110279820, ClinGen allele CA356891996.

ClinVar aggregate classification (germline): Uncertain significance (1 of 4 stars; one submission).

Conditions:
Gastrointestinal stromal tumor. Also called: Gastrointestinal stroma tumor; Gastrointestinal stromal tumor, somatic. Identifiers: Orphanet 44890, MedGen C0238198, MeSH D046152, MONDO:0011719, OMIM 606764, HP:0100723.

Submission:

Labcorp Genetics (formerly Invitae), Labcorp
Classification: Uncertain significance for Gastrointestinal stromal tumor. Last evaluated: 2022-03-26. Review status: criteria provided, single submitter. Criteria: Invitae Variant Classification Sherloc (09022015). Collection method: clinical testing. Allele origin: germline.
Comment: This sequence change replaces isoleucine, which is neutral and non-polar, with serine, which is neutral and polar, at codon 394 of the PDGFRA protein (p.Ile394Ser). This variant is not present in population databases (gnomAD no frequency). In summary, the available evidence is currently insufficient to determine the role of this variant in disease. Therefore, it has been classified as a Variant of Uncertain Significance. Algorithms developed to predict the effect of missense changes on protein structure and function are either unavailable or do not agree on the potential impact of this missense change (SIFT: "Deleterious"; PolyPhen-2: "Benign"; Align-GVGD: "Class C35"). This variant has not been reported in the literature in individuals affected with PDGFRA-related conditions.